The following is an entry in ClinVar:

ClinVar aggregate classification (germline): Uncertain significance (1 of 4 stars; one submission).

Conditions:
Hereditary cancer-predisposing syndrome. Also called: Neoplastic Syndromes, Hereditary; Tumor predisposition; Hereditary Cancer Syndrome; Hereditary neoplastic syndrome. Identifiers: Orphanet 140162, MedGen C0027672, MeSH D009386, MONDO:0015356.

Submission:

Ambry Genetics
Classification: Uncertain significance for Hereditary cancer-predisposing syndrome. Last evaluated: 2023-12-28. Review status: criteria provided, single submitter. Criteria: Ambry Variant Classification Scheme 2023. Collection method: clinical testing. Allele origin: germline.
Comment: The p.W31R variant (also known as c.91T>A), located in coding exon 2 of the BRCA2 gene, results from a T to A substitution at nucleotide position 91. The tryptophan at codon 31 is replaced by arginine, an amino acid with dissimilar properties. p.W31R (encoded by this variant, c.91T>A, as well as a different nucleotide substitution at this position, c.91T>C) has been described in the literature as resulting in impaired PALB2 binding and BRCA2-associated homology directed repair activity (Xia B et al. Mol. Cell. 2006 Jun;22:719-29; Biswas K et al. Hum. Mol. Genet. 2012 Sep;21:3993-4006; Al Abo M et al. Cancer Res. 2014 Feb;74(3):797-807; Biswas K et al. NPJ Genom Med. 2020 Dec;5(1):52; Thomassen M et al. Hum Mutat. 2022 Dec;43(12):1921-1944). It has also been reported to disrupt a key residue in the BRCA2-PALB2 interaction interface (Oliver AW et al. EMBO Rep. 2009 Sep;10(9):990-6; Ambry internal data). This amino acid position is highly conserved in available vertebrate species. In addition, the in silico prediction for this alteration is inconclusive. Since supporting evidence is limited at this time, the clinical significance of this alteration remains unclear.

Literature cited by the submitters: PubMed 16793542; PubMed 19609323; PubMed 22678057; PubMed 24285729; PubMed 24817641; PubMed 27490902; PubMed 29176636; PubMed 29387975; PubMed 30430339; PubMed 33293522; PubMed 35979650; PubMed 36898365.

NM_000059.4(BRCA2):c.91T>A (p.Trp31Arg)

Gene: BRCA2 (BRCA2 DNA repair associated; plus strand). Cytogenetic location: 13q13.1.
Variant type: single nucleotide variant.
Coding change: c.91T>A on transcript NM_000059.4 (MANE Select); coding-DNA position 91, T replaced by A.
Protein change: p.Trp31Arg; replaces tryptophan 31 with arginine.
Molecular consequence: missense variant.
Genome position (GRCh38, 1-based): chr13:32,319,100, T>A. VCF-style: chr13-32319100-T-A. GRCh37 (hg19) VCF-style: chr13-32893237-T-A.
Other names: c.91T>A, p.Trp31Arg (NM_001406719.1, NM_001406720.1, NM_001406721.1); c.-279T>A (NM_001406722.1); short protein forms W31R.
Identifiers: ClinVar variation 1766179 (VCV001766179.2), dbSNP rs80359182, ClinGen allele CA387754105.